The following is an entry in ClinVar:

NM_003611.3(OFD1):c.296G>A (p.Gly99Asp)

Gene: OFD1 (OFD1 centriole and centriolar satellite protein; plus strand). Cytogenetic location: Xp22.2.
Variant type: single nucleotide variant.
Coding change: c.296G>A on transcript NM_003611.3 (MANE Select); coding-DNA position 296, G replaced by A.
Protein change: p.Gly99Asp; replaces glycine 99 with aspartic acid.
Molecular consequence: missense variant. On other transcripts: 5 prime UTR variant (1).
Genome position (GRCh38, 1-based): chrX:13,736,662, G>A. VCF-style: chrX-13736662-G-A. GRCh37 (hg19) VCF-style: chrX-13754781-G-A.
Other names: c.296G>A, p.Gly99Asp (NM_001330209.2); c.-250G>A (NM_001330210.2); short protein forms G99D.
Identifiers: ClinVar variation 2943242 (VCV002943242.3), dbSNP rs2518759560, ClinGen allele CA412333540.

ClinVar aggregate classification (germline): Uncertain significance (1 of 4 stars; one submission).

Conditions:
Joubert syndrome. Also called: CEREBELLOPARENCHYMAL DISORDER IV; JOUBERT-BOLTSHAUSER SYNDROME; Familial aplasia of the vermis. Identifiers: Orphanet 475, MedGen C5979921, MONDO:0018772.
Orofaciodigital syndrome I (OFD1). Also called: OFDS I; Papillon-Leage and Psaume Syndrome; Oral-Facial-Digital Syndrome Type I. Identifiers: Orphanet 2750, MedGen C1510460, MONDO:0010702, OMIM 311200.

Submission:

Labcorp Genetics (formerly Invitae), Labcorp
Classification: Uncertain significance for Orofaciodigital syndrome I; Joubert syndrome. Last evaluated: 2025-09-02. Review status: criteria provided, single submitter. Criteria: Invitae Variant Classification Sherloc (09022015). Collection method: clinical testing. Allele origin: germline.
Comment: This sequence change replaces glycine, which is neutral and non-polar, with aspartic acid, which is acidic and polar, at codon 99 of the OFD1 protein (p.Gly99Asp). This variant is not present in population databases (gnomAD no frequency). This variant has not been reported in the literature in individuals affected with OFD1-related conditions. ClinVar contains an entry for this variant (Variation ID: 2943242). Invitae Evidence Modeling of protein sequence and biophysical properties (such as structural, functional, and spatial information, amino acid conservation, physicochemical variation, residue mobility, and thermodynamic stability) has been performed for this missense variant. However, the output from this modeling did not meet the statistical confidence thresholds required to predict the impact of this variant on OFD1 protein function. In summary, the available evidence is currently insufficient to determine the role of this variant in disease. Therefore, it has been classified as a Variant of Uncertain Significance.